The following is an entry in ClinVar:

NM_016219.5(MAN1B1):c.1124C>T (p.Ser375Leu)

Gene: MAN1B1 (mannosidase alpha class 1B member 1; plus strand). Cytogenetic location: 9q34.3.
Variant type: single nucleotide variant.
Coding change: c.1124C>T on transcript NM_016219.5 (MANE Select); coding-DNA position 1124, C replaced by T.
Protein change: p.Ser375Leu; replaces serine 375 with leucine.
Molecular consequence: missense variant. On other transcripts: non-coding transcript variant (2).
Genome position (GRCh38, 1-based): chr9:137,101,542, C>T. VCF-style: chr9-137101542-C-T. GRCh37 (hg19) VCF-style: chr9-139995994-C-T.
Other names: c.1016C>T, p.Ser339Leu (NM_007230.1); short protein forms S339L, S375L.
Identifiers: ClinVar variation 1798663 (VCV001798663.2), dbSNP rs1377349742, ClinGen allele CA375650695.

ClinVar aggregate classification (germline): Uncertain significance (1 of 4 stars; one submission).

Conditions:
Inborn genetic diseases. Identifiers: MedGen C0950123, MeSH D030342.

Allele frequency attached by ClinVar (database versions not stated): gnomAD exomes 0.00001; TOPMed 0.00001.
gnomAD v4.1: 10 of 1,613,922 alleles (0.00062%); highest among the groups gnomAD compares: Admixed American, 0.005%; no homozygotes.

Submission:

Ambry Genetics
Classification: Uncertain significance for Inborn genetic diseases. Last evaluated: 2019-04-27. Review status: criteria provided, single submitter. Criteria: Ambry Variant Classification Scheme 2023. Collection method: clinical testing. Allele origin: germline.
Comment: The p.S375L variant (also known as c.1124C>T), located in coding exon 8 of the MAN1B1 gene, results from a C to T substitution at nucleotide position 1124. The serine at codon 375 is replaced by leucine, an amino acid with dissimilar properties. This amino acid position is highly conserved in available vertebrate species. In addition, this alteration is predicted to be deleterious by in silico analysis. Since supporting evidence is limited at this time, the clinical significance of this alteration remains unclear.